The following is an entry in ClinVar:

NM_004793.4(LONP1):c.275_295del (p.Glu92_Gly98del)

Gene: LONP1 (lon peptidase 1, mitochondrial; minus strand). Cytogenetic location: 19p13.3.
Variant type: Deletion.
Coding change: c.275_295del on transcript NM_004793.4 (MANE Select); coding-DNA positions 275 to 295, 21 bases deleted (AAGGAGCCGGCGGCGCGGGGG).
Protein change: p.Glu92_Gly98del.
Molecular consequence: intron variant (on NM_001276480.1).
Genome position (GRCh38, 1-based): chr19:5,719,838-5,719,858, CCCCCGCGCCGCCGGCTCCTT deleted on the plus strand (AAGGAGCCGGCGGCGCGGGGG on the coding strand, the reverse complement: LONP1 is on the minus strand); deleting any 21 consecutive bases within chr19:5,719,838-5,719,860 gives the same sequence; the c. name uses the placement nearest the transcript's 3' end. VCF-style (leftmost placement, unchanged base first): chr19-5719837-CCCCCCGCGCCGCCGGCTCCTT-C. GRCh37 (hg19) VCF-style: chr19-5719848-CCCCCCGCGCCGCCGGCTCCTT-C.
Other names: c.-160+361_-160+381del (NM_001276480.1); c.125-42_125-22del (NM_001276479.2).
Identifiers: ClinVar variation 3713520 (VCV003713520.2).

ClinVar aggregate classification (germline): Uncertain significance (1 of 4 stars; one submission).

Submission:

Labcorp Genetics (formerly Invitae), Labcorp
Classification: Uncertain significance. Last evaluated: 2024-06-17. Review status: criteria provided, single submitter. Criteria: Invitae Variant Classification Sherloc (09022015). Collection method: clinical testing. Allele origin: germline.
Comment: This variant, c.275_295del, results in the deletion of 7 amino acid(s) of the LONP1 protein (p.Glu92_Gly98del), but otherwise preserves the integrity of the reading frame. This variant is present in population databases (rs775471209, gnomAD 0.005%). This variant has not been reported in the literature in individuals affected with LONP1-related conditions. Experimental studies and prediction algorithms are not available or were not evaluated, and the functional significance of this variant is currently unknown. In summary, the available evidence is currently insufficient to determine the role of this variant in disease. Therefore, it has been classified as a Variant of Uncertain Significance.